The following is an entry in ClinVar:

NM_000492.4(CFTR):c.1867_1869delinsG (p.Ser623fs)

Gene: CFTR (CF transmembrane conductance regulator; plus strand). Cytogenetic location: 7q31.2.
Variant type: Indel.
Coding change: c.1867_1869delinsG on transcript NM_000492.4 (MANE Select); coding-DNA positions 1867 to 1869, AGC replaced by G.
Protein change: p.Ser623fs; shifts the reading frame from serine 623.
Molecular consequence: frameshift variant.
Genome position (GRCh38, 1-based): chr7:117,592,034-117,592,036, AGC replaced by G. VCF-style: chr7-117592034-AGC-G. GRCh37 (hg19) VCF-style: chr7-117232088-AGC-G.
Other names: short protein forms S623fs.
Identifiers: ClinVar variation 1725476 (VCV001725476.2), dbSNP rs2485109280, ClinGen allele CA2580076502.
Genomic context (GRCh38, chr7:117,592,034, plus strand): 5'-GTCACTTCTAAAATGGAACATTTAAAGAAAGCTGACAAAATATTAATTTTGCATGAAGGT[AGC>G]AGCTATTTTTATGGGACATTTTCAGAACTCCAAAATCTACAGCCAGACTTTAGCTCAAAA-3'

ClinVar aggregate classification (germline): Likely pathogenic (1 of 4 stars; one submission).

Conditions:
Cystic fibrosis (CF). Also called: MUCOVISCIDOSIS. Identifiers: Orphanet 586, MedGen C0010674, MONDO:0009061, OMIM 219700. Disease mechanism: loss of function.

Submission:

Myriad Genetics, Inc.
Classification: Likely pathogenic for Cystic fibrosis. Last evaluated: 2022-03-27. Review status: criteria provided, single submitter. Criteria: Myriad Women's Health Autosomal Recessive and X-Linked Classification Criteria (2021). Collection method: clinical testing. Allele origin: unknown.
Comment: NM_000492.3(CFTR):c.1867_1869delAGCinsG(S623Efs*18) is expected to be pathogenic in the context of cystic fibrosis. This variant is predicted to lead to an abnormal or absent protein product due to the creation of a premature termination codon in CFTR, a gene where loss-of-function variants are known to be pathogenic. Please note: this variant was assessed in the context of healthy population screening.